The following is an entry in ClinVar:

NM_000390.4(CHM):c.283_284del (p.Ile95fs)

Gene: CHM (CHM Rab escort protein; minus strand). Cytogenetic location: Xq21.2.
Variant type: Deletion.
Coding change: c.283_284del on transcript NM_000390.4 (MANE Select); coding-DNA positions 283 to 284, 2 bases deleted (AT; older notation c.283_284delAT).
Protein change: p.Ile95fs; shifts the reading frame from isoleucine 95.
Molecular consequence: frameshift variant. On other transcripts: 5 prime UTR variant (4).
Genome position (GRCh38, 1-based): chrX:85,978,797-85,978,798, AT deleted on the plus strand (AT on the coding strand, the reverse complement: CHM is on the minus strand); deleting any 2 consecutive bases within chrX:85,978,797-85,978,799 gives the same sequence; the c. name uses the placement nearest the transcript's 3' end. VCF-style (leftmost placement, unchanged base first): chrX-85978796-AAT-A. GRCh37 (hg19) VCF-style: chrX-85233800-AAT-A.
Other names: c.283_284del, p.Ile95fs (NM_001145414.4); c.-162_-161del (NM_001320959.1, NM_001362517.1); c.-158_-157del (NM_001362518.2, NM_001362519.1); short protein forms I95fs.
Identifiers: ClinVar variation 1076316 (VCV001076316.7), dbSNP rs2147706405, ClinGen allele CA2499226913.

ClinVar aggregate classification (germline): Pathogenic (1 of 4 stars; one submission).

Submission:

Labcorp Genetics (formerly Invitae), Labcorp
Classification: Pathogenic. Last evaluated: 2025-09-22. Review status: criteria provided, single submitter. Criteria: Invitae Variant Classification Sherloc (09022015). Collection method: clinical testing. Allele origin: germline.
Comment: This sequence change creates a premature translational stop signal (p.Ile95Serfs*15) in the CHM gene. It is expected to result in an absent or disrupted protein product. Loss-of-function variants in CHM are known to be pathogenic (PMID: 9067750, 23811034). This variant is not present in population databases (gnomAD no frequency). This variant has not been reported in the literature in individuals affected with CHM-related conditions. ClinVar contains an entry for this variant (Variation ID: 1076316). For these reasons, this variant has been classified as Pathogenic.

Literature cited by the submitters: PubMed 9067750; PubMed 23811034.